The following is an entry in ClinVar:

NM_001606.5(ABCA2):c.5134G>A (p.Gly1712Ser)

Gene: ABCA2 (ATP binding cassette subfamily A member 2; minus strand). Cytogenetic location: 9q34.3.
Variant type: single nucleotide variant.
Coding change: c.5134G>A on transcript NM_001606.5 (MANE Select); coding-DNA position 5134, G replaced by A.
Protein change: p.Gly1712Ser; replaces glycine 1712 with serine.
Molecular consequence: missense variant.
Genome position (GRCh38, 1-based): chr9:137,012,538, C>T on the plus strand (G>A on the coding strand, the complement: ABCA2 is on the minus strand). VCF-style: chr9-137012538-C-T. GRCh37 (hg19) VCF-style: chr9-139906990-C-T.
Other names: c.5224G>A, p.Gly1742Ser (NM_212533.3); c.5224G>A (NM_212533.2); short protein forms G1712S, G1742S.
Identifiers: ClinVar variation 1206305 (VCV001206305.37), dbSNP rs149871834, ClinGen allele CA5354164.

ClinVar aggregate classification (germline): Likely benign. Review status: criteria provided, multiple submitters, no conflicts (2 of 4 stars). 6 submissions from 6 submitters: Likely benign (3). 3 of the submissions do not count toward it. Last evaluated 2025-10-01.

Conditions:
ABCA2-related disorder. Also called: ABCA2-related condition.

Allele frequency attached by ClinVar (database versions not stated): 1000 Genomes Project 0.00120; 1000 Genomes Project 30x 0.00172; TOPMed 0.00279; gnomAD 0.00318 and 0.00323; gnomAD exomes 0.00321 and 0.00461; ExAC 0.00358; ESP Exome Variant Server 0.00361.
gnomAD v4.1: 7,195 of 1,612,054 alleles (0.45%); highest among the groups gnomAD compares: Non-Finnish European, 0.53%; 29 homozygotes.

Submissions (6):

CeGaT Center for Human Genetics Tuebingen
Classification: Likely benign. Last evaluated: 2025-10-01. Review status: criteria provided, single submitter. Criteria: CeGaT Center For Human Genetics Tuebingen Variant Classification Criteria Version 2. Collection method: clinical testing. Allele origin: germline. Affected: yes. Observed: 18 variant alleles.
Comment: ABCA2: BS2

Blueprint Genetics
Classification: Likely benign. Last evaluated: 2024-11-20. Review status: criteria provided, single submitter. Criteria: ACMG Guidelines, 2015. Collection method: clinical testing. Allele origin: germline.

Breakthrough Genomics
Classification: Likely benign. Review status: criteria provided, single submitter. Criteria: ACMG Guidelines, 2015. Collection method: not provided. Allele origin: germline. Inheritance: Autosomal recessive inheritance. Affected: yes.

PreventionGenetics, part of Exact Sciences
Classification: Likely benign for ABCA2-related condition. Last evaluated: 2020-07-27. Review status: no assertion criteria provided. Collection method: clinical testing. Allele origin: germline. Not counted in ClinVar's aggregate classification.
Comment: This variant is classified as likely benign based on ACMG/AMP sequence variant interpretation guidelines (Richards et al. 2015 PMID: 25741868, with internal and published modifications).

Clinical Genetics DNA and cytogenetics Diagnostics Lab, Erasmus MC, Erasmus Medical Center
Classification: Uncertain significance. Review status: no assertion criteria provided. Collection method: clinical testing. Allele origin: germline. Affected: yes. Study: VKGL Data-share Consensus. Not counted in ClinVar's aggregate classification.

Laboratory of Diagnostic Genome Analysis, Leiden University Medical Center (LUMC)
Classification: Uncertain significance. Review status: no assertion criteria provided. Collection method: clinical testing. Allele origin: germline. Affected: yes. Study: VKGL Data-share Consensus. Not counted in ClinVar's aggregate classification.